The following is an entry in ClinVar:

NM_000094.4(COL7A1):c.3975+2T>G

Gene: COL7A1 (collagen type VII alpha 1 chain; minus strand). Cytogenetic location: 3p21.31.
Variant type: single nucleotide variant.
Coding change: c.3975+2T>G on transcript NM_000094.4 (MANE Select); the canonical splice donor site of the intron after coding-DNA position 3975, T replaced by G.
Molecular consequence: splice donor variant.
Genome position (GRCh38, 1-based): chr3:48,585,034, A>C on the plus strand (T>G on the coding strand, the complement: COL7A1 is on the minus strand). VCF-style: chr3-48585034-A-C. GRCh37 (hg19) VCF-style: chr3-48622467-A-C.
Identifiers: ClinVar variation 3646945 (VCV003646945.2).

ClinVar aggregate classification (germline): Likely pathogenic (1 of 4 stars; one submission).

Submission:

Labcorp Genetics (formerly Invitae), Labcorp
Classification: Likely pathogenic. Last evaluated: 2024-03-29. Review status: criteria provided, single submitter. Criteria: Invitae Variant Classification Sherloc (09022015). Collection method: clinical testing. Allele origin: germline.
Comment: This sequence change affects a donor splice site in intron 32 of the COL7A1 gene. It is expected to disrupt RNA splicing. Variants that disrupt the donor or acceptor splice site typically lead to a loss of protein function (PMID: 16199547), and loss-of-function variants in COL7A1 are known to be pathogenic (PMID: 16971478). This variant is not present in population databases (gnomAD no frequency). This variant has not been reported in the literature in individuals affected with COL7A1-related conditions. Algorithms developed to predict the effect of sequence changes on RNA splicing suggest that this variant may disrupt the consensus splice site. In summary, the currently available evidence indicates that the variant is pathogenic, but additional data are needed to prove that conclusively. Therefore, this variant has been classified as Likely Pathogenic.

Literature cited by the submitters: PubMed 16199547; PubMed 16971478.